The following is an entry in ClinVar:

ClinVar aggregate classification (germline): Conflicting classifications of pathogenicity. Review status: criteria provided, conflicting classifications (1 of 4 stars). 4 submissions from 4 submitters: Uncertain significance (2); Likely benign (2). Last evaluated 2025-05-30.

Conditions:
Hereditary breast ovarian cancer syndrome. Also called: Hereditary breast and ovarian cancer; Breast and ovarian cancer; Hereditary breast and ovarian cancer syndrome; BRCA1- and BRCA2-Associated Hereditary Breast and Ovarian Cancer; Hereditary breast and/or ovarian cancer syndrome; Hereditary breast and ovarian cancer syndrome (HBOC). Identifiers: Orphanet 145, MedGen C0677776, MeSH D061325, MONDO:0003582. Disease mechanism: loss of function.
Hereditary cancer-predisposing syndrome. Also called: Tumor predisposition; Hereditary neoplastic syndrome; Hereditary Cancer Syndrome; Neoplastic Syndromes, Hereditary. Identifiers: Orphanet 140162, MedGen C0027672, MeSH D009386, MONDO:0015356.

Submissions (4):

Ambry Genetics
Classification: Uncertain significance for Hereditary cancer-predisposing syndrome. Last evaluated: 2025-05-30. Review status: criteria provided, single submitter. Criteria: Ambry Variant Classification Scheme 2023. Collection method: clinical testing. Allele origin: germline.
Comment: The p.L1545F variant (also known as c.4633C>T), located in coding exon 10 of the BRCA2 gene, results from a C to T substitution at nucleotide position 4633. The leucine at codon 1545 is replaced by phenylalanine, an amino acid with highly similar properties. This amino acid position is not well conserved in available vertebrate species. In addition, the in silico prediction for this alteration is inconclusive. Based on the available evidence, the clinical significance of this variant remains unclear.

Labcorp Genetics (formerly Invitae), Labcorp
Classification: Uncertain significance for Hereditary breast ovarian cancer syndrome. Last evaluated: 2025-03-17. Review status: criteria provided, single submitter. Criteria: Invitae Variant Classification Sherloc (09022015). Collection method: clinical testing. Allele origin: germline.
Comment: This sequence change replaces leucine, which is neutral and non-polar, with phenylalanine, which is neutral and non-polar, at codon 1545 of the BRCA2 protein (p.Leu1545Phe). This variant is not present in population databases (gnomAD no frequency). This variant has not been reported in the literature in individuals affected with BRCA2-related conditions. ClinVar contains an entry for this variant (Variation ID: 576321). Invitae Evidence Modeling of protein sequence and biophysical properties (such as structural, functional, and spatial information, amino acid conservation, physicochemical variation, residue mobility, and thermodynamic stability) indicates that this missense variant is not expected to disrupt BRCA2 protein function with a negative predictive value of 95%. In summary, the available evidence is currently insufficient to determine the role of this variant in disease. Therefore, it has been classified as a Variant of Uncertain Significance.

Center for Genomic Medicine, Rigshospitalet, Copenhagen University Hospital
Classification: Likely benign. Last evaluated: 2025-03-04. Review status: criteria provided, single submitter. Criteria: ACMG Guidelines, 2015. Collection method: clinical testing. Allele origin: germline.

University of Washington Department of Laboratory Medicine, University of Washington
Classification: Likely benign for Hereditary cancer-predisposing syndrome. Last evaluated: 2023-03-23. Review status: criteria provided, single submitter. Criteria: Dines et al. (Genet Med. 2020). Collection method: curation. Allele origin: germline.
Comment: Missense variant in a coldspot region where missense variants are very unlikely to be pathogenic (PMID:31911673).

BRCA2 exon 11 coldspot. Reclassification based on statistical prior probability.

NM_000059.4(BRCA2):c.4633C>T (p.Leu1545Phe)

Gene: BRCA2 (BRCA2 DNA repair associated; plus strand). Cytogenetic location: 13q13.1.
Variant type: single nucleotide variant.
Coding change: c.4633C>T on transcript NM_000059.4 (MANE Select); coding-DNA position 4633, C replaced by T.
Protein change: p.Leu1545Phe; replaces leucine 1545 with phenylalanine.
Molecular consequence: missense variant.
Genome position (GRCh38, 1-based): chr13:32,338,988, C>T. VCF-style: chr13-32338988-C-T. GRCh37 (hg19) VCF-style: chr13-32913125-C-T.
Other names: short protein forms L1545F.
Identifiers: ClinVar variation 576321 (VCV000576321.13), dbSNP rs1566230846, ClinGen allele CA387782113.